The following is an entry in ClinVar:

NM_000529.2(MC2R):c.*117A>T

Gene: MC2R (melanocortin 2 receptor; minus strand). Cytogenetic location: 18p11.21.
Variant type: single nucleotide variant.
Coding change: c.*117A>T on transcript NM_000529.2 (MANE Select); 117 bases downstream of the stop codon, A replaced by T.
Molecular consequence: 3 prime UTR variant.
Genome position (GRCh38, 1-based): chr18:13,884,508, T>A on the plus strand (A>T on the coding strand, the complement: MC2R is on the minus strand). VCF-style: chr18-13884508-T-A. GRCh37 (hg19) VCF-style: chr18-13884507-T-A.
Other names: c.*117A>T (NM_001291911.1).
Identifiers: ClinVar variation 891539 (VCV000891539.4), dbSNP rs149746538, ClinGen allele CA296828415.

ClinVar aggregate classification (germline): Likely benign (1 of 4 stars; one submission).

Conditions:
Glucocorticoid deficiency 1 (GCCD1). Also called: Glucocorticoid deficiency, due to ACTH unresponsiveness; Adrenal unresponsiveness to acth; FAMILIAL GLUCOCORTICOID DEFICIENCY 1. Identifiers: Orphanet 361, MedGen C4049650, MONDO:0024536, OMIM 202200.

Allele frequency attached by ClinVar (database versions not stated): gnomAD exomes 0.00021; 1000 Genomes Project 0.00200; gnomAD 0.00224 and 0.00237; 1000 Genomes Project 30x 0.00250; TOPMed 0.00253.
gnomAD v4.1: 567 of 1,138,218 alleles (0.05%); highest among the groups gnomAD compares: African/African-American, 0.75%; 2 homozygotes.

Submission:

Illumina Laboratory Services, Illumina
Classification: Likely benign for Glucocorticoid deficiency 1. Last evaluated: 2018-01-13. Review status: criteria provided, single submitter. Criteria: ICSL Variant Classification Criteria 13 December 2019. Collection method: clinical testing. Allele origin: germline.
Comment: This variant was observed in the ICSL laboratory as part of a predisposition screen in an ostensibly healthy population. It had not been previously curated by ICSL or reported in the Human Gene Mutation Database (HGMD: prior to June 1st, 2018), and was therefore a candidate for classification through an automated scoring system. Utilizing variant allele frequency, disease prevalence and penetrance estimates, and inheritance mode, an automated score was calculated to assess if this variant is too frequent to cause the disease. Based on the score and internal cut-off values, a variant classified as likely benign is not then subjected to further curation. The score for this variant resulted in a classification of likely benign for this disease.